The following is an entry in ClinVar:

ClinVar aggregate classification (germline): Uncertain significance (1 of 4 stars; one submission).

Submission:

GeneDx
Classification: Uncertain significance. Last evaluated: 2023-06-13. Review status: criteria provided, single submitter. Criteria: GeneDx Variant Classification Process June 2021. Collection method: clinical testing. Allele origin: germline. Affected: yes.
Comment: Not observed at significant frequency in large population cohorts (gnomAD); In silico analysis supports that this missense variant has a deleterious effect on protein structure/function; Has not been previously published as pathogenic or benign to our knowledge

NM_001135651.3(EIF2AK2):c.836G>C (p.Gly279Ala)

Gene: EIF2AK2 (eukaryotic translation initiation factor 2 alpha kinase 2; minus strand). Cytogenetic location: 2p22.2.
Variant type: single nucleotide variant.
Coding change: c.836G>C on transcript NM_001135651.3 (MANE Select); coding-DNA position 836, G replaced by C.
Protein change: p.Gly279Ala; replaces glycine 279 with alanine.
Molecular consequence: missense variant. On other transcripts: intron variant (1).
Genome position (GRCh38, 1-based): chr2:37,126,361, C>G on the plus strand (G>C on the coding strand, the complement: EIF2AK2 is on the minus strand). VCF-style: chr2-37126361-C-G. GRCh37 (hg19) VCF-style: chr2-37353504-C-G.
Other names: c.836G>C, p.Gly279Ala (NM_002759.4); c.786-3697G>C (NM_001135652.2); short protein forms G279A.
Identifiers: ClinVar variation 3359835 (VCV003359835.1).